The following is an entry in ClinVar:

ClinVar aggregate classification (germline): Uncertain significance. Review status: criteria provided, multiple submitters, no conflicts (2 of 4 stars). 3 submissions from 3 submitters: Uncertain significance (3). Last evaluated 2026-06-08.

Conditions:
ABCB4-related disorder. Also called: ABCB4-related disorders; ABCB4-related condition.

Allele frequency attached by ClinVar (database versions not stated): ExAC 0.00001.
gnomAD v4.1: 1 of 1,613,974 alleles (0.000062%); highest among the groups gnomAD compares: Admixed American, 0.0017%; no homozygotes.

Submissions (3):

PreventionGenetics, part of Exact Sciences
Classification: Uncertain significance for ABCB4-related condition. Last evaluated: 2026-06-08. Review status: criteria provided, single submitter. Criteria: ACMG Guidelines, 2015. Collection method: clinical testing. Allele origin: germline.
Comment: The ABCB4 c.2191A>G variant is predicted to result in the amino acid substitution p.Ile731Val. To our knowledge, this variant has not been reported in the literature. This variant has been reported in one heterozygous individual within the 'other' subpopulation in gnomAD. At this time, the clinical significance of this variant is uncertain due to the absence of conclusive functional and genetic evidence.

Labcorp Genetics (formerly Invitae), Labcorp
Classification: Uncertain significance. Last evaluated: 2024-10-07. Review status: criteria provided, single submitter. Criteria: Invitae Variant Classification Sherloc (09022015). Collection method: clinical testing. Allele origin: germline.
Comment: This sequence change replaces isoleucine, which is neutral and non-polar, with valine, which is neutral and non-polar, at codon 731 of the ABCB4 protein (p.Ile731Val). This variant is present in population databases (rs200949614, gnomAD 0.003%). This variant has not been reported in the literature in individuals affected with ABCB4-related conditions. ClinVar contains an entry for this variant (Variation ID: 288696). Invitae Evidence Modeling of protein sequence and biophysical properties (such as structural, functional, and spatial information, amino acid conservation, physicochemical variation, residue mobility, and thermodynamic stability) indicates that this missense variant is not expected to disrupt ABCB4 protein function with a negative predictive value of 80%. In summary, the available evidence is currently insufficient to determine the role of this variant in disease. Therefore, it has been classified as a Variant of Uncertain Significance.

Eurofins Ntd Llc (ga)
Classification: Uncertain significance. Last evaluated: 2018-04-06. Review status: criteria provided, single submitter. Criteria: EGL ClinVar v180209 classification definitions. Collection method: clinical testing. Allele origin: germline. Observed: 4 variant alleles, 4 heterozygotes.

NM_000443.4(ABCB4):c.2191A>G (p.Ile731Val)

Gene: ABCB4 (ATP binding cassette subfamily B member 4; minus strand). Cytogenetic location: 7q21.12.
Variant type: single nucleotide variant.
Coding change: c.2191A>G on transcript NM_000443.4 (MANE Select); coding-DNA position 2191, A replaced by G.
Protein change: p.Ile731Val; replaces isoleucine 731 with valine.
Molecular consequence: missense variant.
Genome position (GRCh38, 1-based): chr7:87,423,926, T>C on the plus strand (A>G on the coding strand, the complement: ABCB4 is on the minus strand). VCF-style: chr7-87423926-T-C. GRCh37 (hg19) VCF-style: chr7-87053242-T-C.
Other names: c.2191A>G, p.Ile731Val (NM_018849.3, NM_018850.3); c.2191A>G (NM_000443.3); short protein forms I731V.
Identifiers: ClinVar variation 288696 (VCV000288696.9), dbSNP rs200949614, ClinGen allele CA4327105.